The following is an entry in ClinVar:

ClinVar aggregate classification (germline): Likely benign. Review status: criteria provided, multiple submitters, no conflicts (2 of 4 stars). 3 submissions from 3 submitters: Likely benign (2). 1 of the submissions does not count toward it. Last evaluated 2026-01-14.

Conditions:
YWHAE-related disorder. Also called: YWHAE-related condition.

Allele frequency attached by ClinVar (database versions not stated): 1000 Genomes Project 30x 0.00062; 1000 Genomes Project 0.00080; ExAC 0.00095; gnomAD exomes 0.00109; gnomAD 0.00123; TOPMed 0.00138; ESP Exome Variant Server 0.00169.
gnomAD v4.1: 3,072 of 1,614,036 alleles (0.19%); highest among the groups gnomAD compares: Middle Eastern, 0.28%; 4 homozygotes.

Submissions (3):

Labcorp Genetics (formerly Invitae), Labcorp
Classification: Likely benign. Last evaluated: 2026-01-14. Review status: criteria provided, single submitter. Criteria: Invitae Variant Classification Sherloc (09022015). Collection method: clinical testing. Allele origin: germline.

Blueprint Genetics
Classification: Likely benign. Last evaluated: 2024-11-25. Review status: criteria provided, single submitter. Criteria: ACMG Guidelines, 2015. Collection method: clinical testing. Allele origin: germline.

PreventionGenetics, part of Exact Sciences
Classification: Benign for YWHAE-related condition. Last evaluated: 2024-02-22. Review status: no assertion criteria provided. Collection method: clinical testing. Allele origin: germline. Not counted in ClinVar's aggregate classification.
Comment: This variant is classified as benign based on ACMG/AMP sequence variant interpretation guidelines (Richards et al. 2015 PMID: 25741868, with internal and published modifications).

NM_006761.5(YWHAE):c.534C>T (p.Ser178=)

Gene: YWHAE (tyrosine 3-monooxygenase/tryptophan 5-monooxygenase activation protein epsilon; minus strand). Cytogenetic location: 17p13.3.
Variant type: single nucleotide variant.
Coding change: c.534C>T on transcript NM_006761.5 (MANE Select); coding-DNA position 534, C replaced by T.
Protein change: p.Ser178=; no amino-acid change (serine 178 retained).
Molecular consequence: synonymous variant. On other transcripts: non-coding transcript variant (1).
Genome position (GRCh38, 1-based): chr17:1,361,136, G>A on the plus strand (C>T on the coding strand, the complement: YWHAE is on the minus strand). VCF-style: chr17-1361136-G-A. GRCh37 (hg19) VCF-style: chr17-1264430-G-A.
Identifiers: ClinVar variation 705898 (VCV000705898.12), dbSNP rs139215804, ClinGen allele CA8266162.